The following is an entry in ClinVar:

NM_012452.3(TNFRSF13B):c.306C>G (p.Tyr102Ter)

Gene: TNFRSF13B (TNF receptor superfamily member 13B; minus strand). Cytogenetic location: 17p11.2.
Variant type: single nucleotide variant.
Coding change: c.306C>G on transcript NM_012452.3 (MANE Select); coding-DNA position 306, C replaced by G.
Protein change: p.Tyr102Ter; replaces tyrosine 102 with a stop codon.
Molecular consequence: nonsense.
Genome position (GRCh38, 1-based): chr17:16,948,877, G>C on the plus strand (C>G on the coding strand, the complement: TNFRSF13B is on the minus strand). VCF-style: chr17-16948877-G-C. GRCh37 (hg19) VCF-style: chr17-16852191-G-C.
Other names: short protein forms Y102*.
Identifiers: ClinVar variation 3722490 (VCV003722490.2).

ClinVar aggregate classification (germline): Pathogenic (1 of 4 stars; one submission).

Conditions:
Immunodeficiency, common variable, 2 (CVID2). Also called: ANTIBODY DEFICIENCY DUE TO TACI DEFECT; HYPOGAMMAGLOBULINEMIA DUE TO TACI DEFICIENCY. Identifiers: Orphanet 1572, MedGen C3150354, MONDO:0009413, OMIM 240500.

Submission:

Labcorp Genetics (formerly Invitae), Labcorp
Classification: Pathogenic for Immunodeficiency, common variable, 2. Last evaluated: 2024-02-07. Review status: criteria provided, single submitter. Criteria: Invitae Variant Classification Sherloc (09022015). Collection method: clinical testing. Allele origin: germline.
Comment: This sequence change creates a premature translational stop signal (p.Tyr102*) in the TNFRSF13B gene. It is expected to result in an absent or disrupted protein product. Loss-of-function variants in TNFRSF13B are known to be pathogenic (PMID: 16007087, 27123465). This variant is not present in population databases (gnomAD no frequency). This premature translational stop signal has been observed in individual(s) with TNFRSF13B-related conditions (PMID: 27123465). For these reasons, this variant has been classified as Pathogenic.

Literature cited by the submitters: PubMed 16007087; PubMed 27123465.